The following is an entry in ClinVar:

NM_020529.3(NFKBIA):c.925G>A (p.Val309Met)

Gene: NFKBIA (NFKB inhibitor alpha; minus strand). Cytogenetic location: 14q13.2.
Variant type: single nucleotide variant.
Coding change: c.925G>A on transcript NM_020529.3 (MANE Select); coding-DNA position 925, G replaced by A.
Protein change: p.Val309Met; replaces valine 309 with methionine.
Molecular consequence: missense variant.
Genome position (GRCh38, 1-based): chr14:35,402,042, C>T on the plus strand (G>A on the coding strand, the complement: NFKBIA is on the minus strand). VCF-style: chr14-35402042-C-T. GRCh37 (hg19) VCF-style: chr14-35871248-C-T.
Other names: short protein forms V309M.
Identifiers: ClinVar variation 3699243 (VCV003699243.2).

ClinVar aggregate classification (germline): Uncertain significance (1 of 4 stars; one submission).

Conditions:
Ectodermal dysplasia and immunodeficiency 2. Identifiers: Orphanet 238468, Orphanet 98813, MedGen C2677481, MONDO:0012806, OMIM 612132.

gnomAD v4.1: 4 of 1,614,036 alleles (0.00025%); highest among the groups gnomAD compares: Non-Finnish European, 0.00017%; no homozygotes.

Submission:

Labcorp Genetics (formerly Invitae), Labcorp
Classification: Uncertain significance for Ectodermal dysplasia and immunodeficiency 2. Last evaluated: 2024-02-16. Review status: criteria provided, single submitter. Criteria: Invitae Variant Classification Sherloc (09022015). Collection method: clinical testing. Allele origin: germline.
Comment: This sequence change replaces valine, which is neutral and non-polar, with methionine, which is neutral and non-polar, at codon 309 of the NFKBIA protein (p.Val309Met). This variant is not present in population databases (gnomAD no frequency). This variant has not been reported in the literature in individuals affected with NFKBIA-related conditions. An algorithm developed to predict the effect of missense changes on protein structure and function (PolyPhen-2) suggests that this variant is likely to be disruptive. In summary, the available evidence is currently insufficient to determine the role of this variant in disease. Therefore, it has been classified as a Variant of Uncertain Significance.